The following is an entry in ClinVar:

ClinVar aggregate classification (germline): Likely benign. Review status: criteria provided, single submitter (1 of 4 stars). 2 submissions from 2 submitters: Likely benign (1). 1 of the submissions does not count toward it. Last evaluated 2025-07-27.

Conditions:
COQ7-related disorder. Also called: COQ7-related condition.

Allele frequency attached by ClinVar (database versions not stated): gnomAD below 0.00001 and 0.00005; 1000 Genomes Project 30x 0.00031; 1000 Genomes Project 0.00040.
gnomAD v4.1: 140 of 1,614,222 alleles (0.0087%); highest among the groups gnomAD compares: South Asian, 0.14%; no homozygotes.

Submissions (2):

Labcorp Genetics (formerly Invitae), Labcorp
Classification: Likely benign. Last evaluated: 2025-07-27. Review status: criteria provided, single submitter. Criteria: Invitae Variant Classification Sherloc (09022015). Collection method: clinical testing. Allele origin: germline.

PreventionGenetics, part of Exact Sciences
Classification: Likely benign for COQ7-related condition. Last evaluated: 2020-03-25. Review status: no assertion criteria provided. Collection method: clinical testing. Allele origin: germline. Not counted in ClinVar's aggregate classification.
Comment: This variant is classified as likely benign based on ACMG/AMP sequence variant interpretation guidelines (Richards et al. 2015 PMID: 25741868, with internal and published modifications).

NM_016138.5(COQ7):c.183T>C (p.Tyr61=)

Gene: COQ7 (coenzyme Q7, hydroxylase; plus strand). Cytogenetic location: 16p12.3.
Variant type: single nucleotide variant.
Coding change: c.183T>C on transcript NM_016138.5 (MANE Select); coding-DNA position 183, T replaced by C.
Protein change: p.Tyr61=; no amino-acid change (tyrosine 61 retained).
Molecular consequence: synonymous variant. On other transcripts: non-coding transcript variant (3).
Genome position (GRCh38, 1-based): chr16:19,072,037, T>C. VCF-style: chr16-19072037-T-C. GRCh37 (hg19) VCF-style: chr16-19083359-T-C.
Other names: c.69T>C, p.Tyr23= (NM_001190983.2, NM_001370492.1, NM_001370493.1 and 2 more transcripts); c.141T>C, p.Tyr47= (NM_001370489.1, NM_001370491.1); c.183T>C, p.Tyr61= (NM_001370490.1).
Identifiers: ClinVar variation 798583 (VCV000798583.10), dbSNP rs544539636, ClinGen allele CA7932906.